The following is an entry in ClinVar:

ClinVar aggregate classification (germline): Likely benign. Review status: criteria provided, multiple submitters, no conflicts (2 of 4 stars). 4 submissions from 4 submitters: Likely benign (4). Last evaluated 2026-06-30.

Conditions:
DSP-related disorder. Also called: DSP-related disorders; DSP-related condition.
Cardiovascular phenotype. Identifiers: MedGen CN230736.
Arrhythmogenic right ventricular dysplasia 8 (ARVD8). Also called: ARRHYTHMOGENIC RIGHT VENTRICULAR DYSPLASIA, FAMILIAL, 8; ARRHYTHMOGENIC RIGHT VENTRICULAR CARDIOMYOPATHY 8; Arrhythmogenic Right Ventricular Dysplasia/Cardiomyopathy 8. Identifiers: MedGen C1843896, MONDO:0011831, OMIM 607450.
Arrhythmogenic cardiomyopathy with wooly hair and keratoderma. Also called: PALMOPLANTAR KERATODERMA WITH LEFT VENTRICULAR CARDIOMYOPATHY AND WOOLLY HAIR; Carvajal syndrome; Arrhythmogenic cardiomyopathy with woolly hair and keratoderma; Dilated cardiomyopathy with woolly hair and keratoderma. Identifiers: Orphanet 65282, MedGen C1854063, MONDO:0011581, OMIM 605676.

Allele frequency attached by ClinVar (database versions not stated): gnomAD 0.00006 and 0.00005; gnomAD exomes below 0.00001; TOPMed 0.00005.
gnomAD v4.1: 11 of 1,613,460 alleles (0.00068%); highest among the groups gnomAD compares: African/African-American, 0.015%; no homozygotes.

Submissions (4):

PreventionGenetics, part of Exact Sciences
Classification: Likely benign for DSP-related condition. Last evaluated: 2026-06-30. Review status: criteria provided, single submitter. Criteria: ACMG Guidelines, 2015. Collection method: clinical testing. Allele origin: germline.
Comment: This variant is classified as likely benign based on ACMG/AMP sequence variant interpretation guidelines (Richards et al. 2015 PMID: 25741868, with internal and published modifications).

Labcorp Genetics (formerly Invitae), Labcorp
Classification: Likely benign for Arrhythmogenic cardiomyopathy with wooly hair and keratoderma; Arrhythmogenic right ventricular dysplasia 8. Last evaluated: 2025-08-25. Review status: criteria provided, single submitter. Criteria: Invitae Variant Classification Sherloc (09022015). Collection method: clinical testing. Allele origin: germline.

Ambry Genetics
Classification: Likely benign for Cardiovascular phenotype. Last evaluated: 2019-11-26. Review status: criteria provided, single submitter. Criteria: Ambry Variant Classification Scheme 2023. Collection method: clinical testing. Allele origin: germline.

GeneDx
Classification: Likely benign. Last evaluated: 2018-12-04. Review status: criteria provided, single submitter. Criteria: GeneDx Variant Classification Process June 2021. Collection method: clinical testing. Allele origin: germline. Affected: yes.

NM_004415.4(DSP):c.5463C>T (p.Val1821=)

Gene: DSP (desmoplakin; plus strand). Cytogenetic location: 6p24.3.
Variant type: single nucleotide variant.
Coding change: c.5463C>T on transcript NM_004415.4 (MANE Select); coding-DNA position 5463, C replaced by T.
Protein change: p.Val1821=; no amino-acid change (valine 1821 retained).
Molecular consequence: synonymous variant.
Genome position (GRCh38, 1-based): chr6:7,582,725, C>T. VCF-style: chr6-7582725-C-T. GRCh37 (hg19) VCF-style: chr6-7582958-C-T.
Other names: c.3666C>T, p.Val1222= (NM_001008844.3); c.4134C>T, p.Val1378= (NM_001319034.2); c.5463C>T (LRG_423t1, NM_004415.3).
Identifiers: ClinVar variation 381326 (VCV000381326.16), dbSNP rs961915749, ClinGen allele CA16605086.